The following is an entry in ClinVar:

ClinVar aggregate classification (germline): Pathogenic (1 of 4 stars; one submission).

Submission:

Labcorp Genetics (formerly Invitae), Labcorp
Classification: Pathogenic. Last evaluated: 2022-10-20. Review status: criteria provided, single submitter. Criteria: Invitae Variant Classification Sherloc (09022015). Collection method: clinical testing. Allele origin: germline.
Comment: This sequence change creates a premature translational stop signal (p.Glu137*) in the TRMU gene. It is expected to result in an absent or disrupted protein product. Loss-of-function variants in TRMU are known to be pathogenic (PMID: 19732863, 23625533). For these reasons, this variant has been classified as Pathogenic. This variant has not been reported in the literature in individuals affected with TRMU-related conditions. This variant is not present in population databases (gnomAD no frequency).

Literature cited by the submitters: PubMed 19732863; PubMed 23625533.

NM_018006.5(TRMU):c.409G>T (p.Glu137Ter)

Gene: TRMU (tRNA mitochondrial 2-thiouridylase; plus strand). Cytogenetic location: 22q13.31.
Variant type: single nucleotide variant.
Coding change: c.409G>T on transcript NM_018006.5 (MANE Select); coding-DNA position 409, G replaced by T.
Protein change: p.Glu137Ter; replaces glutamic acid 137 with a stop codon.
Molecular consequence: nonsense. On other transcripts: missense variant (2), non-coding transcript variant (2).
Genome position (GRCh38, 1-based): chr22:46,346,475, G>T. VCF-style: chr22-46346475-G-T. GRCh37 (hg19) VCF-style: chr22-46742372-G-T.
Other names: c.409G>T, p.Glu137Ter (NM_001008568.2, NM_001282785.2); c.*2G>T (NM_001008570.2); c.67G>T, p.Glu23Ter (NM_001282782.2); c.48G>T, p.Lys16Asn (NM_001282783.2, NM_001282784.2); short protein forms E137*, E23*, K16N.
Identifiers: ClinVar variation 2036251 (VCV002036251.4), dbSNP rs2078260891, ClinGen allele CA411943740.